The following is an entry in ClinVar:

ClinVar aggregate classification (germline): Likely pathogenic. Review status: criteria provided, multiple submitters, no conflicts (2 of 4 stars). 2 submissions from 2 submitters: Likely pathogenic (2). Last evaluated 2024-09-19.

Conditions:
Usher syndrome type 2A. Also called: RETINAL DISEASE IN USHER SYNDROME TYPE IIA, MODIFIER OF; USHER SYNDROME, TYPE IIA. Identifiers: Orphanet 231178, Orphanet 886, MedGen C1848634, MONDO:0010169, OMIM 276901.

Submissions (2):

Natera, Inc.
Classification: Likely pathogenic for Usher syndrome type 2A. Last evaluated: 2024-09-19. Review status: criteria provided, single submitter. Criteria: Natera Variant Classification Schema (03/2026). Collection method: clinical testing. Allele origin: germline.
Comment: The c.5498T>A variant in USH2A is a missense variant predicted to cause substitution of valine to glutamic acid at amino acid 1833. This variant is rare in the general population with a frequency below the threshold expected for the associated phenotype(s). This variant has been observed in one or more individuals affected with the associated recessive disease, as either homozygous or compound heterozygous with a second variant (PMID: 38224868, 21738395, 17405132). Computational prediction algorithms indicate this variant is likely to affect gene or protein function. Given the available evidence, this variant is classified as Likely Pathogenic.

Labcorp Genetics (formerly Invitae), Labcorp
Classification: Likely pathogenic. Last evaluated: 2021-04-26. Review status: criteria provided, single submitter. Criteria: Invitae Variant Classification Sherloc (09022015). Collection method: clinical testing. Allele origin: germline.
Comment: This sequence change replaces valine with glutamic acid at codon 1833 of the USH2A protein (p.Val1833Glu). The valine residue is highly conserved and there is a moderate physicochemical difference between valine and glutamic acid. This variant is not present in population databases (ExAC no frequency). This variant has been observed in individual(s) with autosomal recessive Usher syndrome (PMID: 17405132, external communication). In at least one individual the data is consistent with the variant being in trans (on the opposite chromosome) from a pathogenic variant. Algorithms developed to predict the effect of missense changes on protein structure and function are either unavailable or do not agree on the potential impact of this missense change (SIFT: "Deleterious"; PolyPhen-2: "Probably Damaging"; Align-GVGD: "Class C0"). This variant disrupts the p.Val1833 amino acid residue in USH2A. Other variant(s) that disrupt this residue have been observed in individuals with USH2A-related conditions (PMID: 31370859), which suggests that this may be a clinically significant amino acid residue. In summary, the currently available evidence indicates that the variant is pathogenic, but additional data are needed to prove that conclusively. Therefore, this variant has been classified as Likely Pathogenic.

Literature cited by the submitters: PubMed 38224868 (cited by Natera, Inc.); PubMed 21738395 (cited by Natera, Inc.); PubMed 17405132 (cited by Natera, Inc. and Labcorp Genetics (formerly Invitae), Labcorp); PubMed 31370859 (cited by Labcorp Genetics (formerly Invitae), Labcorp).

NM_206933.4(USH2A):c.5498T>A (p.Val1833Glu)

Genes: USH2A (usherin; minus strand), USH2A-AS2 (USH2A antisense RNA 2; plus strand). Cytogenetic location: 1q41.
Variant type: single nucleotide variant.
Coding change: c.5498T>A on transcript NM_206933.4 (MANE Select); coding-DNA position 5498, T replaced by A.
Protein change: p.Val1833Glu; replaces valine 1833 with glutamic acid.
Molecular consequence: missense variant.
Genome position (GRCh38, 1-based): chr1:216,078,163, A>T on the plus strand (T>A on the coding strand, the complement: USH2A is on the minus strand). VCF-style: chr1-216078163-A-T. GRCh37 (hg19) VCF-style: chr1-216251505-A-T.
Other names: c.5498T>A (NM_206933.2); short protein forms V1833E.
Identifiers: ClinVar variation 1483629 (VCV001483629.9), dbSNP rs2102554268, ClinGen allele CA344855927.